The following is an entry in ClinVar:

ClinVar aggregate classification (germline): Uncertain significance (1 of 4 stars; one submission).

Submission:

Labcorp Genetics (formerly Invitae), Labcorp
Classification: Uncertain significance. Last evaluated: 2024-05-21. Review status: criteria provided, single submitter. Criteria: Invitae Variant Classification Sherloc (09022015). Collection method: clinical testing. Allele origin: germline.
Comment: This sequence change replaces valine, which is neutral and non-polar, with alanine, which is neutral and non-polar, at codon 448 of the LZTR1 protein (p.Val448Ala). This variant is not present in population databases (gnomAD no frequency). This variant has not been reported in the literature in individuals affected with LZTR1-related conditions. Advanced modeling of protein sequence and biophysical properties (such as structural, functional, and spatial information, amino acid conservation, physicochemical variation, residue mobility, and thermodynamic stability) performed at Invitae indicates that this missense variant is not expected to disrupt LZTR1 protein function with a negative predictive value of 80%. In summary, the available evidence is currently insufficient to determine the role of this variant in disease. Therefore, it has been classified as a Variant of Uncertain Significance.

NM_006767.4(LZTR1):c.1343T>C (p.Val448Ala)

Gene: LZTR1 (leucine zipper like post translational regulator 1; plus strand). Cytogenetic location: 22q11.21.
Variant type: single nucleotide variant.
Coding change: c.1343T>C on transcript NM_006767.4 (MANE Select); coding-DNA position 1343, T replaced by C.
Protein change: p.Val448Ala; replaces valine 448 with alanine.
Molecular consequence: missense variant.
Genome position (GRCh38, 1-based): chr22:20,993,744, T>C. VCF-style: chr22-20993744-T-C. GRCh37 (hg19) VCF-style: chr22-21348033-T-C.
Other names: short protein forms V448A.
Identifiers: ClinVar variation 3712575 (VCV003712575.2).